The following is an entry in ClinVar:

ClinVar aggregate classification (germline): Conflicting classifications of pathogenicity. Review status: criteria provided, conflicting classifications (1 of 4 stars). 3 submissions from 3 submitters: Uncertain significance (1); Likely benign (1). 1 of the submissions does not count toward it. Last evaluated 2026-01-28.

Conditions:
CNTN2-related disorder. Also called: CNTN2-related condition.
Epilepsy, familial adult myoclonic, 5 (EPEO5). Also called: CORTICAL MYOCLONIC TREMOR WITH EPILEPSY, FAMILIAL, 5. Identifiers: Orphanet 86814, MedGen C3809374, MONDO:0014167, OMIM 615400.

Allele frequency attached by ClinVar (database versions not stated): ExAC 0.00054; ESP Exome Variant Server 0.00154; gnomAD 0.00169 and 0.00182; TOPMed 0.00177; 1000 Genomes Project 0.00180; 1000 Genomes Project 30x 0.00203.
gnomAD v4.1: 496 of 1,614,174 alleles (0.031%); highest among the groups gnomAD compares: African/African-American, 0.58%; 2 homozygotes.

Submissions (3):

Labcorp Genetics (formerly Invitae), Labcorp
Classification: Likely benign for Epilepsy, familial adult myoclonic, 5. Last evaluated: 2026-01-28. Review status: criteria provided, single submitter. Criteria: Invitae Variant Classification Sherloc (09022015). Collection method: clinical testing. Allele origin: germline.

GeneDx
Classification: Uncertain significance. Last evaluated: 2016-08-25. Review status: criteria provided, single submitter. Criteria: GeneDx Variant Classification (06012015). Collection method: clinical testing. Allele origin: germline. Affected: yes.
Comment: The D552E variant in the CNTN2 gene has not been reported previously as a pathogenic variant, nor as a benign variant, to our knowledge. Although not observed in the homozygous state, the NHLBI ESP Exome Sequencing Project reports D552E was observed in 19/4406 alleles (0.43%) from individuals of African American background, indicating it may be a rare variant in this population. The D552E variant is a conservative amino acid substitution, which is not likely to impact secondary protein structure as these residues share similar properties. This substitution occurs at a position that is not conserved. In silico analysis predicts this variant is probably damaging to the protein structure/function. We interpret D552E as a variant of uncertain significance.

PreventionGenetics, part of Exact Sciences
Classification: Likely benign for CNTN2-related condition. Last evaluated: 2023-03-30. Review status: no assertion criteria provided. Collection method: clinical testing. Allele origin: germline. Not counted in ClinVar's aggregate classification.
Comment: This variant is classified as likely benign based on ACMG/AMP sequence variant interpretation guidelines (Richards et al. 2015 PMID: 25741868, with internal and published modifications).

NM_005076.5(CNTN2):c.1656C>A (p.Asp552Glu)

Gene: CNTN2 (contactin 2; plus strand). Cytogenetic location: 1q32.1.
Variant type: single nucleotide variant.
Coding change: c.1656C>A on transcript NM_005076.5 (MANE Select); coding-DNA position 1656, C replaced by A.
Protein change: p.Asp552Glu; replaces aspartic acid 552 with glutamic acid.
Molecular consequence: missense variant. On other transcripts: non-coding transcript variant (1).
Genome position (GRCh38, 1-based): chr1:205,065,223, C>A. VCF-style: chr1-205065223-C-A. GRCh37 (hg19) VCF-style: chr1-205034351-C-A.
Other names: c.1656C>A (NM_005076.4); c.1656C>A, p.Asp552Glu (NM_001346083.2); short protein forms D552E.
Identifiers: ClinVar variation 422019 (VCV000422019.15), dbSNP rs145352110, ClinGen allele CA1351435.